The following is an entry in ClinVar:

ClinVar aggregate classification (germline): Pathogenic (1 of 4 stars; one submission).

Conditions:
WDR4-related disorder. Also called: WDR4-Related Disorders; WDR4-related condition.

Submission:

Women's Health and Genetics/Laboratory Corporation of America, LabCorp
Classification: Pathogenic for WDR4-Related Disorders. Last evaluated: 2025-06-27. Review status: criteria provided, single submitter. Criteria: LabCorp Variant Classification Summary - May 2015. Collection method: clinical testing. Allele origin: germline.
Comment: Variant summary: The variant involves the deletion of exon 6 in the WDR4 gene. A presumed nomenclature of c.(566+1_567-1)_(627+1_628-1)del has been designated for the purposes of this classification. This Copy Number Variant (CNV) is expected to alter the reading frame and predicted to result in a truncation or absence of the encoded protein due to nonsense mediated decay (NMD). The variant was absent in 21694 control chromosomes. To our knowledge, no occurrence of c.(566+1_567-1)_(627+1_628-1)del in individuals affected with WDR4-Related Disorders and no experimental evidence demonstrating its impact on protein function have been reported. No submitters have cited clinical-significance assessments for this variant to ClinVar. Based on the evidence outlined above, the variant was classified as pathogenic.

NC_000021.8:g.(44275891_44279771)_(44279833_44282391)del

Gene: WDR4 (WDR4 tRNA N7-guanosine methyltransferase non-catalytic subunit; minus strand). Cytogenetic location: 21q22.3.
Variant type: Deletion.
Identifiers: ClinVar variation 3907189 (VCV003907189.1).